The following is an entry in ClinVar:

ClinVar aggregate classification (germline): Uncertain significance (1 of 4 stars; one submission).

Conditions:
RYR1-related disorder. Also called: RYR1-related condition; RYR1-related disorders. Identifiers: MedGen CN239331.

Submission:

Labcorp Genetics (formerly Invitae), Labcorp
Classification: Uncertain significance for RYR1-related disorder. Last evaluated: 2023-10-30. Review status: criteria provided, single submitter. Criteria: Invitae Variant Classification Sherloc (09022015). Collection method: clinical testing. Allele origin: germline.
Comment: This sequence change replaces proline, which is neutral and non-polar, with arginine, which is basic and polar, at codon 836 of the RYR1 protein (p.Pro836Arg). This variant is not present in population databases (gnomAD no frequency). This variant has not been reported in the literature in individuals affected with RYR1-related conditions. Advanced modeling of protein sequence and biophysical properties (such as structural, functional, and spatial information, amino acid conservation, physicochemical variation, residue mobility, and thermodynamic stability) performed at Invitae indicates that this missense variant is not expected to disrupt RYR1 protein function with a negative predictive value of 95%. In summary, the available evidence is currently insufficient to determine the role of this variant in disease. Therefore, it has been classified as a Variant of Uncertain Significance.

NM_000540.3(RYR1):c.2507C>G (p.Pro836Arg)

Gene: RYR1 (ryanodine receptor 1; plus strand). Cytogenetic location: 19q13.2.
Variant type: single nucleotide variant.
Coding change: c.2507C>G on transcript NM_000540.3 (MANE Select); coding-DNA position 2507, C replaced by G.
Protein change: p.Pro836Arg; replaces proline 836 with arginine.
Molecular consequence: missense variant.
Genome position (GRCh38, 1-based): chr19:38,460,521, C>G. VCF-style: chr19-38460521-C-G. GRCh37 (hg19) VCF-style: chr19-38951161-C-G.
Other names: c.2507C>G, p.Pro836Arg (NM_001042723.2); short protein forms P836R.
Identifiers: ClinVar variation 2770386 (VCV002770386.3), dbSNP rs1967676400, ClinGen allele CA405629799.